The following is an entry in ClinVar:

ClinVar aggregate classification (germline): Uncertain significance. Review status: criteria provided, multiple submitters, no conflicts (2 of 4 stars). 2 submissions from 2 submitters: Uncertain significance (2). Last evaluated 2025-01-07.

Conditions:
Inborn genetic diseases. Identifiers: MedGen C0950123, MeSH D030342.
Aicardi-Goutieres syndrome 3. Identifiers: Orphanet 51, MedGen C1835916, MONDO:0012471, OMIM 610329.

gnomAD v4.1: 9 of 1,563,700 alleles (0.00058%); highest among the groups gnomAD compares: East Asian, 0.022%; no homozygotes.

Submissions (2):

Ambry Genetics
Classification: Uncertain significance for Inborn genetic diseases. Last evaluated: 2025-01-07. Review status: criteria provided, single submitter. Criteria: Ambry Variant Classification Scheme 2023. Collection method: clinical testing. Allele origin: germline.

Labcorp Genetics (formerly Invitae), Labcorp
Classification: Uncertain significance for Aicardi-Goutieres syndrome 3. Last evaluated: 2024-06-20. Review status: criteria provided, single submitter. Criteria: Invitae Variant Classification Sherloc (09022015). Collection method: clinical testing. Allele origin: germline.
Comment: This sequence change replaces proline, which is neutral and non-polar, with leucine, which is neutral and non-polar, at codon 41 of the RNASEH2C protein (p.Pro41Leu). The frequency data for this variant in the population databases is considered unreliable, as metrics indicate poor data quality at this position in the gnomAD database. This variant has not been reported in the literature in individuals affected with RNASEH2C-related conditions. An algorithm developed to predict the effect of missense changes on protein structure and function (PolyPhen-2) suggests that this variant is likely to be disruptive. In summary, the available evidence is currently insufficient to determine the role of this variant in disease. Therefore, it has been classified as a Variant of Uncertain Significance.

NM_032193.4(RNASEH2C):c.122C>T (p.Pro41Leu)

Genes: RNASEH2C (ribonuclease H2 subunit C; minus strand), LOC130006061 (ATAC-STARR-seq lymphoblastoid silent region 3553; plus strand). Cytogenetic location: 11q13.1.
Variant type: single nucleotide variant.
Coding change: c.122C>T on transcript NM_032193.4 (MANE Select); coding-DNA position 122, C replaced by T.
Protein change: p.Pro41Leu; replaces proline 41 with leucine.
Molecular consequence: missense variant.
Genome position (GRCh38, 1-based): chr11:65,720,637, G>A on the plus strand (C>T on the coding strand, the complement: RNASEH2C is on the minus strand). VCF-style: chr11-65720637-G-A. GRCh37 (hg19) VCF-style: chr11-65488108-G-A.
Other names: short protein forms P41L.
Identifiers: ClinVar variation 3692817 (VCV003692817.3).